The following is an entry in ClinVar:

ClinVar aggregate classification (germline): Uncertain significance (1 of 4 stars; one submission).

gnomAD v4.1: 2 of 1,611,418 alleles (0.00012%); highest among the groups gnomAD compares: Middle Eastern, 0.02%; no homozygotes.

Submission:

Labcorp Genetics (formerly Invitae), Labcorp
Classification: Uncertain significance. Last evaluated: 2025-03-17. Review status: criteria provided, single submitter. Criteria: Invitae Variant Classification Sherloc (09022015). Collection method: clinical testing. Allele origin: germline.
Comment: This sequence change replaces alanine, which is neutral and non-polar, with valine, which is neutral and non-polar, at codon 985 of the ABCC6 protein (p.Ala985Val). This variant is not present in population databases (gnomAD no frequency). This variant has not been reported in the literature in individuals affected with ABCC6-related conditions. ClinVar contains an entry for this variant (Variation ID: 1945878). Invitae Evidence Modeling of protein sequence and biophysical properties (such as structural, functional, and spatial information, amino acid conservation, physicochemical variation, residue mobility, and thermodynamic stability) indicates that this missense variant is not expected to disrupt ABCC6 protein function with a negative predictive value of 95%. In summary, the available evidence is currently insufficient to determine the role of this variant in disease. Therefore, it has been classified as a Variant of Uncertain Significance.

NM_001171.6(ABCC6):c.2954C>T (p.Ala985Val)

Gene: ABCC6 (ATP binding cassette subfamily C member 6; minus strand). Cytogenetic location: 16p13.11.
Variant type: single nucleotide variant.
Coding change: c.2954C>T on transcript NM_001171.6 (MANE Select); coding-DNA position 2954, C replaced by T.
Protein change: p.Ala985Val; replaces alanine 985 with valine.
Molecular consequence: missense variant. On other transcripts: non-coding transcript variant (1).
Genome position (GRCh38, 1-based): chr16:16,169,687, G>A on the plus strand (C>T on the coding strand, the complement: ABCC6 is on the minus strand). VCF-style: chr16-16169687-G-A. GRCh37 (hg19) VCF-style: chr16-16263544-G-A.
Other names: c.2612C>T, p.Ala871Val (NM_001351800.1); short protein forms A985V, A871V.
Identifiers: ClinVar variation 1945878 (VCV001945878.5), dbSNP rs764901693, ClinGen allele CA394884320.